The following is an entry in ClinVar:

NM_024577.4(SH3TC2):c.1969G>A (p.Glu657Lys)

Gene: SH3TC2 (SH3 domain and tetratricopeptide repeats 2; minus strand). Cytogenetic location: 5q32.
Variant type: single nucleotide variant.
Coding change: c.1969G>A on transcript NM_024577.4 (MANE Select); coding-DNA position 1969, G replaced by A.
Protein change: p.Glu657Lys; replaces glutamic acid 657 with lysine.
Molecular consequence: missense variant.
Genome position (GRCh38, 1-based): chr5:149,027,763, C>T on the plus strand (G>A on the coding strand, the complement: SH3TC2 is on the minus strand). VCF-style: chr5-149027763-C-T. GRCh37 (hg19) VCF-style: chr5-148407326-C-T.
Other names: short protein forms E657K.
Identifiers: ClinVar variation 21689 (VCV000021689.21), dbSNP rs80338925, ClinGen allele CA339774.

ClinVar aggregate classification (germline): Pathogenic/Likely pathogenic. Review status: criteria provided, multiple submitters, no conflicts (2 of 4 stars). 11 submissions from 11 submitters: Pathogenic (3); Likely pathogenic (5). 3 of the submissions do not count toward it. Last evaluated 2025-10-23.

Conditions:
SH3TC2-related disorder. Also called: SH3TC2-related condition; SH3TC2-related disorders. Identifiers: MedGen CN239303.
Charcot-Marie-Tooth disease. Also called: Charcot-Marie-Tooth Hereditary Neuropathy; Charcot-Marie-Tooth Neuropathy. Identifiers: Orphanet 166, MedGen C0007959, MONDO:0015626.
Susceptibility to mononeuropathy of the median nerve, mild. Also called: CARPAL TUNNEL SYNDROME, SUSCEPTIBILITY TO. Identifiers: MedGen C3150596, MONDO:0013237, OMIM 613353.
Charcot-Marie-Tooth disease type 4C (CMT4C). Also called: CHARCOT-MARIE-TOOTH DISEASE, DEMYELINATING, AUTOSOMAL RECESSIVE, TYPE 4C; CHARCOT-MARIE-TOOTH DISEASE, DEMYELINATING, TYPE 4C; SH3TC2-Related Hereditary Motor and Sensory Neuropathy; Charcot-Marie-Tooth Neuropathy Type 4C (CMT4C); CMT 4C. Identifiers: Orphanet 99949, MedGen C1866636, MONDO:0011113, OMIM 601596.
Charcot-Marie-Tooth disease type 4. Also called: Charcot-Marie-Tooth, Type 4; Charcot-Marie-Tooth disease, type IV. Identifiers: Orphanet 64749, MedGen C4082197, MONDO:0018995.

Allele frequency attached by ClinVar (database versions not stated): TOPMed below 0.00001; ExAC 0.00002; gnomAD exomes 0.00002.

Submissions (11):

Institute of Human Genetics, Heidelberg University
Classification: Pathogenic for Charcot-Marie-Tooth disease type 4C. Last evaluated: 2025-10-23. Review status: criteria provided, single submitter. Criteria: ACMG Guidelines, 2015. Collection method: clinical testing. Allele origin: paternal. Affected: yes. Observed: 2 variant alleles.
Comment: PM2_supp, PP4_supp, PM3_strong, PS3_strong

PreventionGenetics, part of Exact Sciences
Classification: Likely pathogenic for SH3TC2-related condition. Last evaluated: 2025-09-04. Review status: criteria provided, single submitter. Criteria: ACMG Guidelines, 2015. Collection method: clinical testing. Allele origin: germline.
Comment: The SH3TC2 c.1969G>A variant is predicted to result in the amino acid substitution p.Glu657Lys. This variant has been reported in the homozygous and compound heterozygous states in multiple individuals with autosomal recessive Charcot-Marie-Tooth disease type 4C (for example, see Senderek et al. 2003. PubMed ID: 14574644; Houlden et al. 2009. PubMed ID: 19272779; Duan et al. 2021. PubMed ID: 33643188). In vitro functional studies have demonstrated that this variant causes cytoplasmic protein mislocalization and reduced cell surface expression (Lupo et al. 2009. PubMed ID: 19744956; Roberts et al. 2009. PubMed ID: 20028792). This variant is reported in 0.022% of alleles in individuals of East Asian descent in gnomAD. This variant is interpreted as likely pathogenic for autosomal recessive SH3TC2-related disorders.

Labcorp Genetics (formerly Invitae), Labcorp
Classification: Pathogenic for Charcot-Marie-Tooth disease type 4. Last evaluated: 2025-07-25. Review status: criteria provided, single submitter. Criteria: Invitae Variant Classification Sherloc (09022015). Collection method: clinical testing. Allele origin: germline.
Comment: This sequence change replaces glutamic acid, which is acidic and polar, with lysine, which is basic and polar, at codon 657 of the SH3TC2 protein (p.Glu657Lys). This variant is present in population databases (rs80338925, gnomAD 0.02%). This missense change has been observed in individuals with Charcot-Marie-Tooth disease type 4C (PMID: 14574644, 19272779). ClinVar contains an entry for this variant (Variation ID: 21689). Invitae Evidence Modeling of protein sequence and biophysical properties (such as structural, functional, and spatial information, amino acid conservation, physicochemical variation, residue mobility, and thermodynamic stability) indicates that this missense variant is expected to disrupt SH3TC2 protein function with a positive predictive value of 95%. Experimental studies have shown that this missense change affects SH3TC2 function (PMID: 20028792). For these reasons, this variant has been classified as Pathogenic.

GeneDx
Classification: Likely pathogenic. Last evaluated: 2024-05-08. Review status: criteria provided, single submitter. Criteria: GeneDx Variant Classification Process June 2021. Collection method: clinical testing. Allele origin: germline. Affected: yes.
Comment: Identified with a second variant in several individuals with clinical features of SH3TC2-related Charcot-Marie-Tooth disease in the literature (PMID: 19272779, 35297556, 33643188); Published functional studies demonstrate a damaging effect [impaired mutant protein subcellular localization and function] (PMID: 20028792); In silico analysis supports that this missense variant has a deleterious effect on protein structure/function; This variant is associated with the following publications: (PMID: 20028792, 14574644, 31211173, 21840889, 35297556, 30658898, 36947133, 20301514, 34255403, 19272779, 33643188)

3billion
Classification: Likely pathogenic for Charcot-Marie-Tooth disease type 4C. Last evaluated: 2023-10-23. Review status: criteria provided, single submitter. Criteria: ACMG Guidelines, 2015. Collection method: clinical testing. Allele origin: germline. Affected: yes.
Comment: The variant is observed at an extremely low frequency in the gnomAD v2.1.1 dataset (total allele frequency: 0.002%). Predicted Consequence/Location: The majority of the known disease-causing variants of this gene are variants expected to result in premature termination of the protein. Premature termination of the protein is a common disease-causing mechanism for this gene. In silico tool predictions suggest damaging effect of the variant on gene or gene product [3Cnet: 0.63 (>=0.6, sensitivity 0.72 and precision 0.9)]. Same nucleotide change resulting in same amino acid change has been previously reported as pathogenic/likely pathogenic with strong evidence (ClinVar ID: VCV000021689 /PMID: 14574644). Therefore, this variant is classified as Likely pathogenic according to the recommendation of ACMG/AMP guideline.

Fulgent Genetics
Classification: Likely pathogenic for Charcot-Marie-Tooth disease type 4C; Susceptibility to mononeuropathy of the median nerve, mild. Last evaluated: 2021-08-17. Review status: criteria provided, single submitter. Criteria: ACMG Guidelines, 2015. Collection method: clinical testing. Allele origin: unknown.

Juno Genomics, Hangzhou Juno Genomics, Inc
Classification: Likely pathogenic for Charcot-Marie-Tooth disease type 4C. Review status: criteria provided, single submitter. Criteria: ACMG Guidelines, 2015. Collection method: clinical testing. Allele origin: germline. Affected: yes.
Comment: Absent from controls (or at extremely low frequency if recessive) in Genome Aggregation Database, Exome Sequencing Project, 1000 Genomes Project, or Exome Aggregation Consortium.;Well-established in vitro or in vivo functional studies supportive of a damaging effect on the gene or gene product.;For recessive disorders, detected in trans with a pathogenic variant.;Patient's phenotype or family history is highly specific for a disease with a single genetic etiology.

Neuberg Centre For Genomic Medicine, NCGM
Classification: Pathogenic for Charcot-Marie-Tooth disease type 4C. Review status: criteria provided, single submitter. Criteria: ACMG Guidelines, 2015. Collection method: clinical testing. Allele origin: germline. Inheritance: Autosomal recessive inheritance. Affected: yes.

Genesis Genome Database
Classification: Uncertain significance for Charcot-Marie-Tooth disease. Last evaluated: 2019-08-14. Review status: no assertion criteria provided. Collection method: research. Allele origin: germline. Affected: yes. Not counted in ClinVar's aggregate classification.

OMIM
Classification: Pathogenic for CHARCOT-MARIE-TOOTH DISEASE, DEMYELINATING, TYPE 4C. Last evaluated: 2009-04-01. Review status: no assertion criteria provided. Collection method: literature only. Allele origin: germline. Not counted in ClinVar's aggregate classification.

GeneReviews
No classification provided. Condition: Charcot-Marie-Tooth disease type 4C. Review status: no classification provided. Collection method: literature only. Allele origin: unknown. Not counted in ClinVar's aggregate classification.

Literature cited by the submitters: PubMed 14574644 (cited by 3 submitters); PubMed 19272779 (cited by Labcorp Genetics (formerly Invitae), Labcorp and OMIM); PubMed 20028792 (cited by Labcorp Genetics (formerly Invitae), Labcorp); PubMed 20301514 (cited by GeneReviews); NCBI Bookshelf NBK1340 (cited by GeneReviews).